The following is an entry in ClinVar:

ClinVar aggregate classification (germline): Conflicting classifications of pathogenicity. Review status: criteria provided, conflicting classifications (1 of 4 stars). 3 submissions from 3 submitters: Uncertain significance (2); Likely benign (1). Last evaluated 2026-09-24.

Conditions:
Hereditary spastic paraplegia 15 (SPG15). Also called: SPASTIC PARAPLEGIA 15, AUTOSOMAL RECESSIVE; KJELLIN SYNDROME; SPASTIC PARAPLEGIA AND RETINAL DEGENERATION. Identifiers: Orphanet 100996, MedGen C1849128, MONDO:0010044, OMIM 270700.
Spastic paraplegia. Identifiers: MedGen C0037772, HP:0001258.

Allele frequency attached by ClinVar (database versions not stated): gnomAD 0.00012; ExAC 0.00015; ESP Exome Variant Server 0.00054; gnomAD exomes 0.00019; TOPMed 0.00011.
gnomAD v4.1: 140 of 1,613,922 alleles (0.0087%); highest among the groups gnomAD compares: African/African-American, 0.019%; no homozygotes.

Submissions (3):

GeneDx
Classification: Uncertain significance. Last evaluated: 2026-09-24. Review status: criteria provided, single submitter. Criteria: GeneDx Variant Classification Process June 2021. Collection method: clinical testing. Allele origin: germline.
Comment: In silico analysis supports that this missense variant has a deleterious effect on protein structure/function; Has not been previously published as pathogenic or benign to our knowledge

Labcorp Genetics (formerly Invitae), Labcorp
Classification: Likely benign for Spastic paraplegia. Last evaluated: 2025-07-30. Review status: criteria provided, single submitter. Criteria: Invitae Variant Classification Sherloc (09022015). Collection method: clinical testing. Allele origin: germline.

Illumina Laboratory Services, Illumina
Classification: Uncertain significance for Hereditary spastic paraplegia 15. Last evaluated: 2018-01-13. Review status: criteria provided, single submitter. Criteria: ICSL Variant Classification Criteria 13 December 2019. Collection method: clinical testing. Allele origin: germline.

NM_015346.4(ZFYVE26):c.3695G>A (p.Cys1232Tyr)

Gene: ZFYVE26 (zinc finger FYVE-type containing 26; minus strand). Cytogenetic location: 14q24.1.
Variant type: single nucleotide variant.
Coding change: c.3695G>A on transcript NM_015346.4 (MANE Select); coding-DNA position 3695, G replaced by A.
Protein change: p.Cys1232Tyr; replaces cysteine 1232 with tyrosine.
Molecular consequence: missense variant.
Genome position (GRCh38, 1-based): chr14:67,783,457, C>T on the plus strand (G>A on the coding strand, the complement: ZFYVE26 is on the minus strand). VCF-style: chr14-67783457-C-T. GRCh37 (hg19) VCF-style: chr14-68250174-C-T.
Other names: short protein forms C1232Y.
Identifiers: ClinVar variation 695205 (VCV000695205.16), dbSNP rs150010519, ClinGen allele CA7239922.
Genomic context (GRCh38, chr14:67,783,457, plus strand): 5'-CGAGTCAGGAGGGAGGAGGTCTGCTGGCTTTGCCGGGATGAGCAAAGAGCAAGGGGCTCA[C>T]AGCAGCAGCTGACGATGACCTGTGGCACACTTAGGCTGAGATTCTCTTGGGCCAGAAGGG-3'
Protein context (NP_056161.2, residues 1222-1242): SVPQVIVSCC[Cys1232Tyr]EPLALCSSRQ